The following is an entry in ClinVar:

ClinVar aggregate classification (germline): Uncertain significance. Review status: criteria provided, multiple submitters, no conflicts (2 of 4 stars). 2 submissions from 2 submitters: Uncertain significance (2). Last evaluated 2025-03-15.

Conditions:
Inborn genetic diseases. Identifiers: MedGen C0950123, MeSH D030342.

Allele frequency attached by ClinVar (database versions not stated): gnomAD 0.00002.
gnomAD v4.1: 8 of 1,614,032 alleles (0.0005%); highest among the groups gnomAD compares: African/African-American, 0.008%; no homozygotes.

Submissions (2):

Ambry Genetics
Classification: Uncertain significance for Inborn genetic diseases. Last evaluated: 2025-03-15. Review status: criteria provided, single submitter. Criteria: Ambry Variant Classification Scheme 2023. Collection method: clinical testing. Allele origin: germline.

Labcorp Genetics (formerly Invitae), Labcorp
Classification: Uncertain significance. Last evaluated: 2022-01-17. Review status: criteria provided, single submitter. Criteria: Invitae Variant Classification Sherloc (09022015). Collection method: clinical testing. Allele origin: germline.
Comment: In summary, the available evidence is currently insufficient to determine the role of this variant in disease. Therefore, it has been classified as a Variant of Uncertain Significance. Algorithms developed to predict the effect of missense changes on protein structure and function are either unavailable or do not agree on the potential impact of this missense change (SIFT: "Tolerated"; PolyPhen-2: "Possibly Damaging"; Align-GVGD: "Class C0"). This sequence change replaces serine, which is neutral and polar, with isoleucine, which is neutral and non-polar, at codon 1299 of the CEP152 protein (p.Ser1299Ile). This variant is present in population databases (no rsID available, gnomAD 0.008%). This variant has not been reported in the literature in individuals affected with CEP152-related conditions.

NM_001194998.2(CEP152):c.4064G>T (p.Ser1355Ile)

Gene: CEP152 (centrosomal protein 152; minus strand). Cytogenetic location: 15q21.1.
Variant type: single nucleotide variant.
Coding change: c.4064G>T on transcript NM_001194998.2 (MANE Select); coding-DNA position 4064, G replaced by T.
Protein change: p.Ser1355Ile; replaces serine 1355 with isoleucine.
Molecular consequence: missense variant.
Genome position (GRCh38, 1-based): chr15:48,741,630, C>A on the plus strand (G>T on the coding strand, the complement: CEP152 is on the minus strand). VCF-style: chr15-48741630-C-A. GRCh37 (hg19) VCF-style: chr15-49033827-C-A.
Other names: c.3896G>T, p.Ser1299Ile (NM_014985.4); c.3896G>T (NM_014985.3); short protein forms S1299I, S1355I.
Identifiers: ClinVar variation 1910002 (VCV001910002.6), dbSNP rs980330690, ClinGen allele CA269524459.